The following is an entry in ClinVar:

NM_004408.4(DNM1):c.1781+4C>A

Gene: DNM1 (dynamin 1; plus strand). Cytogenetic location: 9q34.11.
Variant type: single nucleotide variant.
Coding change: c.1781+4C>A on transcript NM_004408.4 (MANE Select); 4 bases into the intron after coding-DNA position 1781, C replaced by A.
Molecular consequence: intron variant.
Genome position (GRCh38, 1-based): chr9:128,246,507, C>A. VCF-style: chr9-128246507-C-A. GRCh37 (hg19) VCF-style: chr9-131008786-C-A.
Other names: c.1781+4C>A (NM_001005336.3, NM_001374269.1, NM_001288738.2 and 2 more transcripts).
Identifiers: ClinVar variation 1779995 (VCV001779995.5), dbSNP rs763794084, ClinGen allele CA5258331.

ClinVar aggregate classification (germline): Conflicting classifications of pathogenicity. Review status: criteria provided, conflicting classifications (1 of 4 stars). 2 submissions from 2 submitters: Uncertain significance (1); Likely benign (1). Last evaluated 2023-12-21.

Conditions:
Developmental and epileptic encephalopathy, 31A. Also called: Epileptic encephalopathy, early infantile, 31; Developmental and epileptic encephalopathy, 31. Identifiers: Orphanet 2382, MedGen C4225357, MONDO:0014598, OMIM 616346.
Inborn genetic diseases. Identifiers: MedGen C0950123, MeSH D030342.

Allele frequency attached by ClinVar (database versions not stated): TOPMed below 0.00001; ExAC 0.00001; gnomAD 0.00001.
gnomAD v4.1: 10 of 1,608,722 alleles (0.00062%); highest among the groups gnomAD compares: Middle Eastern, 0.017%; no homozygotes.

Submissions (2):

Labcorp Genetics (formerly Invitae), Labcorp
Classification: Uncertain significance for Developmental and epileptic encephalopathy, 31A. Last evaluated: 2023-12-21. Review status: criteria provided, single submitter. Criteria: Invitae Variant Classification Sherloc (09022015). Collection method: clinical testing. Allele origin: germline.
Comment: This sequence change falls in intron 16 of the DNM1 gene. It does not directly change the encoded amino acid sequence of the DNM1 protein. It affects a nucleotide within the consensus splice site. This variant is present in population databases (rs763794084, gnomAD 0.002%). This variant has not been reported in the literature in individuals affected with DNM1-related conditions. ClinVar contains an entry for this variant (Variation ID: 1779995). Variants that disrupt the consensus splice site are a relatively common cause of aberrant splicing (PMID: 17576681, 9536098). Algorithms developed to predict the effect of sequence changes on RNA splicing suggest that this variant is not likely to affect RNA splicing. In summary, the available evidence is currently insufficient to determine the role of this variant in disease. Therefore, it has been classified as a Variant of Uncertain Significance.

Ambry Genetics
Classification: Likely benign for Inborn genetic diseases. Last evaluated: 2019-06-05. Review status: criteria provided, single submitter. Criteria: Ambry Variant Classification Scheme 2023. Collection method: clinical testing. Allele origin: germline.

Literature cited by the submitters: PubMed 17576681 (cited by Labcorp Genetics (formerly Invitae), Labcorp); PubMed 9536098 (cited by Labcorp Genetics (formerly Invitae), Labcorp).